The following is an entry in ClinVar:

NM_004329.3(BMPR1A):c.1112A>T (p.Lys371Met)

Gene: BMPR1A (bone morphogenetic protein receptor type 1A; plus strand). Cytogenetic location: 10q23.2.
Variant type: single nucleotide variant.
Coding change: c.1112A>T on transcript NM_004329.3 (MANE Select); coding-DNA position 1112, A replaced by T.
Protein change: p.Lys371Met; replaces lysine 371 with methionine.
Molecular consequence: missense variant. On other transcripts: non-coding transcript variant (3).
Genome position (GRCh38, 1-based): chr10:86,919,415, A>T. VCF-style: chr10-86919415-A-T. GRCh37 (hg19) VCF-style: chr10-88679172-A-T.
Other names: c.1187A>T, p.Lys396Met (NM_001406559.1); c.1160A>T, p.Lys387Met (NM_001406560.1); c.1112A>T, p.Lys371Met (NM_001406561.1, NM_001406562.1, NM_001406563.1 and 19 more transcripts); c.1106A>T, p.Lys369Met (NM_001406583.1); c.1028A>T, p.Lys343Met (NM_001406584.1, NM_001406585.1, NM_001406586.1 and 2 more transcripts); c.770A>T, p.Lys257Met (NM_001406589.1); short protein forms K371M, K369M, K396M, K257M, K343M, K387M.
Identifiers: ClinVar variation 3261222 (VCV003261222.1).

ClinVar aggregate classification (germline): Uncertain significance (1 of 4 stars; one submission).

Conditions:
Hereditary cancer-predisposing syndrome. Also called: Hereditary Cancer Syndrome; Tumor predisposition; Hereditary neoplastic syndrome; Neoplastic Syndromes, Hereditary. Identifiers: Orphanet 140162, MedGen C0027672, MeSH D009386, MONDO:0015356.

Submission:

Ambry Genetics
Classification: Uncertain significance for Hereditary cancer-predisposing syndrome. Last evaluated: 2024-05-08. Review status: criteria provided, single submitter. Criteria: Ambry Variant Classification Scheme 2023. Collection method: clinical testing. Allele origin: germline.
Comment: The p.K371M variant (also known as c.1112A>T), located in coding exon 8 of the BMPR1A gene, results from an A to T substitution at nucleotide position 1112. The lysine at codon 371 is replaced by methionine, an amino acid with similar properties. This amino acid position is conserved. In addition, this alteration is predicted to be deleterious by in silico analysis. Based on the available evidence, the clinical significance of this variant remains unclear.